The following is an entry in ClinVar:

ClinVar aggregate classification (germline): Uncertain significance. Review status: criteria provided, multiple submitters, no conflicts (2 of 4 stars). 2 submissions from 2 submitters: Uncertain significance (2). Last evaluated 2025-11-13.

Conditions:
Hereditary cancer-predisposing syndrome. Also called: Neoplastic Syndromes, Hereditary; Tumor predisposition; Hereditary neoplastic syndrome; Hereditary Cancer Syndrome. Identifiers: Orphanet 140162, MedGen C0027672, MeSH D009386, MONDO:0015356.
Mitochondrial complex II deficiency, nuclear type 1. Also called: SUCCINATE CoQ REDUCTASE DEFICIENCY. Identifiers: Orphanet 3208, MedGen C5700310, MONDO:0100294, OMIM 252011.
Pheochromocytoma/paraganglioma syndrome 5. Also called: Paragangliomas 5; SDHA-Related Hereditary Paraganglioma-Pheochromocytoma Syndrome. Identifiers: Orphanet 29072, MedGen C3279992, MONDO:0013602, OMIM 614165.

Allele frequency attached by ClinVar (database versions not stated): gnomAD exomes 0.00001.
gnomAD v4.1: 7 of 1,613,860 alleles (0.00043%); highest among the groups gnomAD compares: East Asian, 0.0022%; no homozygotes.

Submissions (2):

Labcorp Genetics (formerly Invitae), Labcorp
Classification: Uncertain significance for Pheochromocytoma/paraganglioma syndrome 5; Mitochondrial complex II deficiency, nuclear type 1. Last evaluated: 2025-11-13. Review status: criteria provided, single submitter. Criteria: Invitae Variant Classification Sherloc (09022015). Collection method: clinical testing. Allele origin: germline.
Comment: This sequence change replaces alanine, which is neutral and non-polar, with threonine, which is neutral and polar, at codon 437 of the SDHA protein (p.Ala437Thr). This variant is not present in population databases (gnomAD no frequency). This variant has not been reported in the literature in individuals affected with SDHA-related conditions. ClinVar contains an entry for this variant (Variation ID: 539653). Invitae Evidence Modeling of protein sequence and biophysical properties (such as structural, functional, and spatial information, amino acid conservation, physicochemical variation, residue mobility, and thermodynamic stability) has been performed for this missense variant. However, the output from this modeling did not meet the statistical confidence thresholds required to predict the impact of this variant on SDHA protein function. In summary, the available evidence is currently insufficient to determine the role of this variant in disease. Therefore, it has been classified as a Variant of Uncertain Significance.

Ambry Genetics
Classification: Uncertain significance for Hereditary cancer-predisposing syndrome. Last evaluated: 2024-01-10. Review status: criteria provided, single submitter. Criteria: Ambry Variant Classification Scheme 2023. Collection method: clinical testing. Allele origin: germline.
Comment: The p.A437T variant (also known as c.1309G>A), located in coding exon 10 of the SDHA gene, results from a G to A substitution at nucleotide position 1309. The alanine at codon 437 is replaced by threonine, an amino acid with similar properties. This amino acid position is highly conserved in available vertebrate species. In addition, this alteration is predicted to be deleterious by in silico analysis. Since supporting evidence is limited at this time, the clinical significance of this alteration remains unclear.

NM_004168.4(SDHA):c.1309G>A (p.Ala437Thr)

Gene: SDHA (succinate dehydrogenase complex flavoprotein subunit A; plus strand). Cytogenetic location: 5p15.33.
Variant type: single nucleotide variant.
Coding change: c.1309G>A on transcript NM_004168.4 (MANE Select); coding-DNA position 1309, G replaced by A.
Protein change: p.Ala437Thr; replaces alanine 437 with threonine.
Molecular consequence: missense variant.
Genome position (GRCh38, 1-based): chr5:236,476, G>A. VCF-style: chr5-236476-G-A. GRCh37 (hg19) VCF-style: chr5-236591-G-A.
Other names: c.1165G>A, p.Ala389Thr (NM_001294332.2); c.1309G>A, p.Ala437Thr (NM_001330758.2); short protein forms A437T, A389T.
Identifiers: ClinVar variation 539653 (VCV000539653.11), dbSNP rs1553999731, ClinGen allele CA359013896.